The following is an entry in ClinVar:

ClinVar aggregate classification (germline): Conflicting classifications of pathogenicity. Review status: criteria provided, conflicting classifications (1 of 4 stars). 3 submissions from 3 submitters: Likely pathogenic (1); Uncertain significance (2). Last evaluated 2025-10-02.

Conditions:
Familial hypokalemia-hypomagnesemia (GTLMNS). Also called: gitelman syndrome; HYPOMAGNESEMIA-HYPOKALEMIA, PRIMARY RENOTUBULAR, WITH HYPOCALCIURIA; POTASSIUM AND MAGNESIUM DEPLETION. Identifiers: Orphanet 358, MedGen C0268450, MONDO:0009904, OMIM 263800.

Allele frequency attached by ClinVar (database versions not stated): TOPMed 0.00005; gnomAD 0.00007; gnomAD exomes 0.00008; ExAC 0.00012; ESP Exome Variant Server 0.00023.
gnomAD v4.1: 65 of 1,614,128 alleles (0.004%); highest among the groups gnomAD compares: Non-Finnish European, 0.0054%; no homozygotes.

Submissions (3):

Labcorp Genetics (formerly Invitae), Labcorp
Classification: Likely pathogenic. Last evaluated: 2025-10-02. Review status: criteria provided, single submitter. Criteria: Invitae Variant Classification Sherloc (09022015). Collection method: clinical testing. Allele origin: germline.
Comment: This sequence change replaces methionine, which is neutral and non-polar, with threonine, which is neutral and polar, at codon 581 of the SLC12A3 protein (p.Met581Thr). This variant is present in population databases (rs146191537, gnomAD 0.02%). This variant has not been reported in the literature in individuals affected with SLC12A3-related conditions. ClinVar contains an entry for this variant (Variation ID: 1469915). Invitae Evidence Modeling of protein sequence and biophysical properties (such as structural, functional, and spatial information, amino acid conservation, physicochemical variation, residue mobility, and thermodynamic stability) indicates that this missense variant is expected to disrupt SLC12A3 protein function with a positive predictive value of 95%. This variant disrupts the p.Met581 amino acid residue in SLC12A3. Other variant(s) that disrupt this residue have been determined to be pathogenic (PMID: 17699451, 25422309, 30945685, 31672324). This suggests that this residue is clinically significant, and that variants that disrupt this residue are likely to be disease-causing. In summary, the currently available evidence indicates that the variant is pathogenic, but additional data are needed to prove that conclusively. Therefore, this variant has been classified as Likely Pathogenic.

Blueprint Genetics
Classification: Uncertain significance. Last evaluated: 2024-10-31. Review status: criteria provided, single submitter. Criteria: ACMG Guidelines, 2015. Collection method: clinical testing. Allele origin: germline.

Fulgent Genetics
Classification: Uncertain significance for Familial hypokalemia-hypomagnesemia. Last evaluated: 2024-05-23. Review status: criteria provided, single submitter. Criteria: ACMG Guidelines, 2015. Collection method: clinical testing. Allele origin: germline.

Literature cited by the submitters: PubMed 17699451 (cited by Labcorp Genetics (formerly Invitae), Labcorp); PubMed 25422309 (cited by Labcorp Genetics (formerly Invitae), Labcorp); PubMed 30945685 (cited by Labcorp Genetics (formerly Invitae), Labcorp); PubMed 31672324 (cited by Labcorp Genetics (formerly Invitae), Labcorp).

NM_001126108.2(SLC12A3):c.1742T>C (p.Met581Thr)

Gene: SLC12A3 (solute carrier family 12 member 3; plus strand). Cytogenetic location: 16q13.
Variant type: single nucleotide variant.
Coding change: c.1742T>C on transcript NM_001126108.2 (MANE Select); coding-DNA position 1742, T replaced by C.
Protein change: p.Met581Thr; replaces methionine 581 with threonine.
Molecular consequence: missense variant.
Genome position (GRCh38, 1-based): chr16:56,884,121, T>C. VCF-style: chr16-56884121-T-C. GRCh37 (hg19) VCF-style: chr16-56918033-T-C.
Other names: c.1742T>C, p.Met581Thr (NM_000339.3); c.1739T>C, p.Met580Thr (NM_001126107.2); short protein forms M581T, M580T.
Identifiers: ClinVar variation 1469915 (VCV001469915.8), dbSNP rs146191537, ClinGen allele CA8069593.